The following is an entry in ClinVar:

ClinVar aggregate classification (germline): Conflicting classifications of pathogenicity. Review status: criteria provided, conflicting classifications (1 of 4 stars). 3 submissions from 3 submitters: Uncertain significance (1); Likely benign (2). Last evaluated 2025-08-27.

Conditions:
Inborn genetic diseases. Identifiers: MedGen C0950123, MeSH D030342.

Allele frequency attached by ClinVar (database versions not stated): gnomAD 0.00002; gnomAD exomes 0.00002; TOPMed 0.00006; ExAC 0.00011.
gnomAD v4.1: 27 of 1,600,874 alleles (0.0017%); highest among the groups gnomAD compares: Admixed American, 0.046%; no homozygotes.

Submissions (3):

Ambry Genetics
Classification: Likely benign for Inborn genetic diseases. Last evaluated: 2025-08-27. Review status: criteria provided, single submitter. Criteria: Ambry Variant Classification Scheme 2023. Collection method: clinical testing. Allele origin: germline.

Labcorp Genetics (formerly Invitae), Labcorp
Classification: Likely benign. Last evaluated: 2025-08-22. Review status: criteria provided, single submitter. Criteria: Invitae Variant Classification Sherloc (09022015). Collection method: clinical testing. Allele origin: germline.

Women's Health and Genetics/Laboratory Corporation of America, LabCorp
Classification: Uncertain significance. Last evaluated: 2024-04-19. Review status: criteria provided, single submitter. Criteria: LabCorp Variant Classification Summary - May 2015. Collection method: clinical testing. Allele origin: germline.
Comment: Variant summary: COL4A2 c.3013C>G (p.Leu1005Val) results in a conservative amino acid change in the encoded protein sequence. Four of five in-silico tools predict a benign effect of the variant on protein function. The variant allele was found at a frequency of 7.9e-05 in 241086 control chromosomes. The available data on variant occurrences in the general population are insufficient to allow any conclusion about variant significance. To our knowledge, no occurrence of c.3013C>G in individuals affected with Porencephaly 2 and no experimental evidence demonstrating its impact on protein function have been reported. ClinVar contains an entry for this variant (Variation ID: 2414360). Based on the evidence outlined above, the variant was classified as VUS-possibly benign.

NM_001846.4(COL4A2):c.3013C>G (p.Leu1005Val)

Gene: COL4A2 (collagen type IV alpha 2 chain; plus strand). Cytogenetic location: 13q34.
Variant type: single nucleotide variant.
Coding change: c.3013C>G on transcript NM_001846.4 (MANE Select); coding-DNA position 3013, C replaced by G.
Protein change: p.Leu1005Val; replaces leucine 1005 with valine.
Molecular consequence: missense variant.
Genome position (GRCh38, 1-based): chr13:110,485,015, C>G. VCF-style: chr13-110485015-C-G. GRCh37 (hg19) VCF-style: chr13-111137362-C-G.
Other names: c.3013C>G (NM_001846.2); short protein forms L1005V.
Identifiers: ClinVar variation 2414360 (VCV002414360.8), dbSNP rs767899188, ClinGen allele CA7050047.
Genomic context (GRCh38, chr13:110,485,015, plus strand): 5'-GGAATGAAAGACATTAAAGGAGAGAAAGGAGATGAAGGGCCTATGGGGCTGAAAGGATAC[C>G]TGGGCGCAAAAGGTGAGGCTTCTGACCTGCAGCCAGGGGCCCCTAGTCCCTGCCGCCCCA-3'
Protein context (NP_001837.2, residues 995-1015): DEGPMGLKGY[Leu1005Val]GAKGIQGMPG